The following is an entry in ClinVar:

NM_001692.4(ATP6V1B1):c.367+1G>A

Gene: ATP6V1B1 (ATPase H+ transporting V1 subunit B1; plus strand). Cytogenetic location: 2p13.3.
Variant type: single nucleotide variant.
Coding change: c.367+1G>A on transcript NM_001692.4 (MANE Select); the canonical splice donor site of the intron after coding-DNA position 367, G replaced by A.
Molecular consequence: splice donor variant.
Genome position (GRCh38, 1-based): chr2:70,958,427, G>A. VCF-style: chr2-70958427-G-A. GRCh37 (hg19) VCF-style: chr2-71185557-G-A.
Identifiers: ClinVar variation 591707 (VCV000591707.7), dbSNP rs1343871627, ClinGen allele CA347181295.

ClinVar aggregate classification (germline): Likely pathogenic. Review status: criteria provided, single submitter (1 of 4 stars). 2 submissions from 2 submitters: Likely pathogenic (1). 1 of the submissions does not count toward it. Last evaluated 2022-06-09.

Submissions (2):

Labcorp Genetics (formerly Invitae), Labcorp
Classification: Likely pathogenic. Last evaluated: 2022-06-09. Review status: criteria provided, single submitter. Criteria: Invitae Variant Classification Sherloc (09022015). Collection method: clinical testing. Allele origin: germline.
Comment: This variant is not present in population databases (gnomAD no frequency). In summary, the currently available evidence indicates that the variant is pathogenic, but additional data are needed to prove that conclusively. Therefore, this variant has been classified as Likely Pathogenic. Algorithms developed to predict the effect of sequence changes on RNA splicing suggest that this variant may disrupt the consensus splice site. ClinVar contains an entry for this variant (Variation ID: 591707). This variant has not been reported in the literature in individuals affected with ATP6V1B1-related conditions. This sequence change affects a donor splice site in intron 4 of the ATP6V1B1 gene. It is expected to disrupt RNA splicing. Variants that disrupt the donor or acceptor splice site typically lead to a loss of protein function (PMID: 16199547), and loss-of-function variants in ATP6V1B1 are known to be pathogenic (PMID: 9916796, 18368028).

Gharavi Laboratory, Columbia University
Classification: Uncertain significance. Last evaluated: 2018-09-16. Review status: no assertion criteria provided. Criteria: ACMG Guidelines, 2015. Collection method: research. Allele origin: germline. Affected: yes. Not counted in ClinVar's aggregate classification.

Literature cited by the submitters: PubMed 16199547 (cited by Labcorp Genetics (formerly Invitae), Labcorp); PubMed 9916796 (cited by Labcorp Genetics (formerly Invitae), Labcorp); PubMed 18368028 (cited by Labcorp Genetics (formerly Invitae), Labcorp).